The following is an entry in ClinVar:

ClinVar aggregate classification (germline): Uncertain significance (1 of 4 stars; one submission).

Allele frequency attached by ClinVar (database versions not stated): gnomAD exomes below 0.00001; gnomAD 0.00001.
gnomAD v4.1: 8 of 1,614,046 alleles (0.0005%); highest among the groups gnomAD compares: South Asian, 0.0022%; no homozygotes.

Submission:

Ambry Genetics
Classification: Uncertain significance. Last evaluated: 2023-10-12. Review status: criteria provided, single submitter. Criteria: Ambry Variant Classification Scheme 2023. Collection method: clinical testing. Allele origin: germline.
Comment: The p.P2025L variant (also known as c.6074C>T), located in coding exon 10 of the ALPK2 gene, results from a C to T substitution at nucleotide position 6074. The proline at codon 2025 is replaced by leucine, an amino acid with similar properties. This amino acid position is conserved. In addition, the in silico prediction for this alteration is inconclusive. Since supporting evidence is limited at this time, the clinical significance of this alteration remains unclear.

NM_052947.4(ALPK2):c.6074C>T (p.Pro2025Leu)

Gene: ALPK2 (alpha kinase 2; minus strand). Cytogenetic location: 18q21.31.
Variant type: single nucleotide variant.
Coding change: c.6074C>T on transcript NM_052947.4 (MANE Select); coding-DNA position 6074, C replaced by T.
Protein change: p.Pro2025Leu; replaces proline 2025 with leucine.
Molecular consequence: missense variant.
Genome position (GRCh38, 1-based): chr18:58,504,104, G>A on the plus strand (C>T on the coding strand, the complement: ALPK2 is on the minus strand). VCF-style: chr18-58504104-G-A. GRCh37 (hg19) VCF-style: chr18-56171336-G-A.
Other names: short protein forms P2025L.
Identifiers: ClinVar variation 1751408 (VCV001751408.2), dbSNP rs1319522958, ClinGen allele CA402544462.